The following is an entry in ClinVar:

NM_003331.5(TYK2):c.1669+10T>C

Gene: TYK2 (tyrosine kinase 2; minus strand). Cytogenetic location: 19p13.2.
Variant type: single nucleotide variant.
Coding change: c.1669+10T>C on transcript NM_003331.5 (MANE Select); 10 bases into the intron after coding-DNA position 1669, T replaced by C.
Molecular consequence: intron variant.
Genome position (GRCh38, 1-based): chr19:10,362,254, A>G on the plus strand (T>C on the coding strand, the complement: TYK2 is on the minus strand). VCF-style: chr19-10362254-A-G. GRCh37 (hg19) VCF-style: chr19-10472930-A-G.
Other names: c.1669+10T>C (LRG_121t1).
Identifiers: ClinVar variation 514378 (VCV000514378.11), dbSNP rs536378862, ClinGen allele CA9193352.
Genomic context (GRCh38, chr19:10,362,254, plus strand): 5'-ATCAAGTCATGGAGGGCGGGCCTGGGGGAGAGATGCCACATCCCACCCAGAGGTCCCCCT[A>G]TCATCGTACCTCCTGGTTGGGGCAGGCAACAGCGACGCAGAGAGAAGCAGTCATCCCCGG-3'

ClinVar aggregate classification (germline): Likely benign. Review status: criteria provided, multiple submitters, no conflicts (2 of 4 stars). 3 submissions from 3 submitters: Likely benign (3). Last evaluated 2025-07-30.

Conditions:
Immunodeficiency 35 (IMD35). Also called: TYK2 DEFICIENCY; HIES WITH ATYPICAL MYCOBACTERIOSIS, AUTOSOMAL RECESSIVE; HYPER-IgE SYNDROME WITH ATYPICAL MYCOBACTERIOSIS, AUTOSOMAL RECESSIVE; Susceptibility to infection due to TYK2 deficiency. Identifiers: Orphanet 331226, MedGen C1969086, MONDO:0012682, OMIM 611521.

Allele frequency attached by ClinVar (database versions not stated): gnomAD 0.00001 and 0.00002; TOPMed 0.00002; gnomAD exomes 0.00008; ExAC 0.00011.
gnomAD v4.1: 74 of 1,613,488 alleles (0.0046%); highest among the groups gnomAD compares: South Asian, 0.058%; 1 homozygote.

Submissions (3):

Labcorp Genetics (formerly Invitae), Labcorp
Classification: Likely benign for Immunodeficiency 35. Last evaluated: 2025-07-30. Review status: criteria provided, single submitter. Criteria: Invitae Variant Classification Sherloc (09022015). Collection method: clinical testing. Allele origin: germline.

Blueprint Genetics
Classification: Likely benign. Last evaluated: 2024-10-28. Review status: criteria provided, single submitter. Criteria: ACMG Guidelines, 2015. Collection method: clinical testing. Allele origin: germline.

GeneDx
Classification: Likely benign. Last evaluated: 2017-12-21. Review status: criteria provided, single submitter. Criteria: GeneDx Variant Classification (06012015). Collection method: clinical testing. Allele origin: germline. Affected: yes.
Comment: This variant is considered likely benign or benign based on one or more of the following criteria: it is a conservative change, it occurs at a poorly conserved position in the protein, it is predicted to be benign by multiple in silico algorithms, and/or has population frequency not consistent with disease.